The following is an entry in ClinVar:

ClinVar aggregate classification (germline): Pathogenic (1 of 4 stars; one submission).

Allele frequency attached by ClinVar (database versions not stated): gnomAD exomes below 0.00001; TOPMed below 0.00001; gnomAD 0.00001.
gnomAD v4.1: 2 of 1,613,944 alleles (0.00012%); highest among the groups gnomAD compares: African/African-American, 0.0013%; no homozygotes.

Submission:

Labcorp Genetics (formerly Invitae), Labcorp
Classification: Pathogenic. Last evaluated: 2024-04-06. Review status: criteria provided, single submitter. Criteria: Invitae Variant Classification Sherloc (09022015). Collection method: clinical testing. Allele origin: germline.
Comment: This sequence change creates a premature translational stop signal (p.Gln492*) in the LPIN1 gene. It is expected to result in an absent or disrupted protein product. Loss-of-function variants in LPIN1 are known to be pathogenic (PMID: 18817903, 20583302, 22481384, 26111941). This variant is not present in population databases (gnomAD no frequency). This variant has not been reported in the literature in individuals affected with LPIN1-related conditions. ClinVar contains an entry for this variant (Variation ID: 1371806). For these reasons, this variant has been classified as Pathogenic.

Literature cited by the submitters: PubMed 18817903; PubMed 20583302; PubMed 22481384; PubMed 26111941.

NM_001349206.2(LPIN1):c.1582C>T (p.Gln528Ter)

Gene: LPIN1 (lipin 1; plus strand). Cytogenetic location: 2p25.1.
Variant type: single nucleotide variant.
Coding change: c.1582C>T on transcript NM_001349206.2 (MANE Select); coding-DNA position 1582, C replaced by T.
Protein change: p.Gln528Ter; replaces glutamine 528 with a stop codon.
Molecular consequence: nonsense. On other transcripts: non-coding transcript variant (1).
Genome position (GRCh38, 1-based): chr2:11,787,106, C>T. VCF-style: chr2-11787106-C-T. GRCh37 (hg19) VCF-style: chr2-11927232-C-T.
Other names: c.1492C>T, p.Gln498Ter (NM_001261427.3); c.1729C>T, p.Gln577Ter (NM_001261428.3); c.1474C>T, p.Gln492Ter (NM_001349199.2, NM_001349200.2, NM_001349201.2 and 1 more transcripts); c.1579C>T, p.Gln527Ter (NM_001349202.2, NM_001349203.2); c.1582C>T, p.Gln528Ter (NM_001349204.2, NM_001349205.2); c.1672C>T, p.Gln558Ter (NM_001349207.2); c.1621C>T, p.Gln541Ter (NM_001349208.2); short protein forms Q527*, Q577*, Q498*, Q541*, Q558*, Q492*, Q528*.
Identifiers: ClinVar variation 1371806 (VCV001371806.6), dbSNP rs1171013095, ClinGen allele CA345857809.
Genomic context (GRCh38, chr2:11,787,106, plus strand): 5'-CCCTGATCCTCTGCAATTGCTGTCACAGATGCATTCCTGGAGCAAGCTGTGTCATATCAA[C>T]AGTTTGTGGACAACCCCGCTATTATCGATGACCCCAATCTCGTGGTAAAGATTGGGAGTA-3'